The following is an entry in ClinVar:

NM_015057.5(MYCBP2):c.4873A>C (p.Thr1625Pro)

Gene: MYCBP2 (MYC binding protein 2; minus strand). Cytogenetic location: 13q22.3.
Variant type: single nucleotide variant.
Coding change: c.4873A>C on transcript NM_015057.5 (MANE Select); coding-DNA position 4873, A replaced by C.
Protein change: p.Thr1625Pro; replaces threonine 1625 with proline.
Molecular consequence: missense variant.
Genome position (GRCh38, 1-based): chr13:77,181,769, T>G on the plus strand (A>C on the coding strand, the complement: MYCBP2 is on the minus strand). VCF-style: chr13-77181769-T-G. GRCh37 (hg19) VCF-style: chr13-77755904-T-G.
Other names: short protein forms T1625P.
Identifiers: ClinVar variation 4975472 (VCV004975472.1).

ClinVar aggregate classification (germline): Uncertain significance (1 of 4 stars; one submission).

Submission:

GeneDx
Classification: Uncertain significance. Last evaluated: 2026-02-03. Review status: criteria provided, single submitter. Criteria: GeneDx Variant Classification Process June 2021. Collection method: clinical testing. Allele origin: germline.
Comment: Not observed at significant frequency in large population cohorts (gnomAD); In silico analysis suggests that this missense variant does not alter protein structure/function; Has not been previously published as pathogenic or benign to our knowledge